The following is an entry in ClinVar:

NM_006231.4(POLE):c.1524G>T (p.Gln508His)

Gene: POLE (DNA polymerase epsilon, catalytic subunit; minus strand). Cytogenetic location: 12q24.33.
Variant type: single nucleotide variant.
Coding change: c.1524G>T on transcript NM_006231.4 (MANE Select); coding-DNA position 1524, G replaced by T.
Protein change: p.Gln508His; replaces glutamine 508 with histidine.
Molecular consequence: missense variant.
Genome position (GRCh38, 1-based): chr12:132,672,789, C>A on the plus strand (G>T on the coding strand, the complement: POLE is on the minus strand). VCF-style: chr12-132672789-C-A. GRCh37 (hg19) VCF-style: chr12-133249375-C-A.
Other names: short protein forms Q508H.
Identifiers: ClinVar variation 473465 (VCV000473465.9), dbSNP rs762030811, ClinGen allele CA6893920.

ClinVar aggregate classification (germline): Uncertain significance. Review status: criteria provided, multiple submitters, no conflicts (2 of 4 stars). 3 submissions from 3 submitters: Uncertain significance (2). 1 of the submissions does not count toward it. Last evaluated 2024-12-23.

Conditions:
Colorectal cancer, susceptibility to, 12 (CRCS12). Also called: COLORECTAL CANCER, SUSCEPTIBILITY TO, ON CHROMOSOME 12q24. Identifiers: Orphanet 220460, MedGen C3554460, MONDO:0014038, OMIM 615083.
Hereditary cancer-predisposing syndrome. Also called: Neoplastic Syndromes, Hereditary; Tumor predisposition; Hereditary Cancer Syndrome; Hereditary neoplastic syndrome. Identifiers: Orphanet 140162, MedGen C0027672, MeSH D009386, MONDO:0015356.

Allele frequency attached by ClinVar (database versions not stated): gnomAD exomes below 0.00001 and 0.00001; TOPMed below 0.00001; ExAC 0.00001; gnomAD 0.00001.
gnomAD v4.1: 3 of 1,614,084 alleles (0.00019%); highest among the groups gnomAD compares: East Asian, 0.0067%; no homozygotes.

Submissions (3):

Ambry Genetics
Classification: Uncertain significance for Hereditary cancer-predisposing syndrome. Last evaluated: 2024-12-23. Review status: criteria provided, single submitter. Criteria: Ambry Variant Classification Scheme 2023. Collection method: clinical testing. Allele origin: germline.
Comment: The p.Q508H variant (also known as c.1524G>T), located in coding exon 15 of the POLE gene, results from a G to T substitution at nucleotide position 1524. The glutamine at codon 508 is replaced by histidine, an amino acid with highly similar properties. This amino acid position is highly conserved in available vertebrate species. In addition, the in silico prediction for this alteration is inconclusive. Based on the available evidence, the clinical significance of this variant remains unclear.

Labcorp Genetics (formerly Invitae), Labcorp
Classification: Uncertain significance. Last evaluated: 2024-10-21. Review status: criteria provided, single submitter. Criteria: Invitae Variant Classification Sherloc (09022015). Collection method: clinical testing. Allele origin: germline.
Comment: This sequence change replaces glutamine, which is neutral and polar, with histidine, which is basic and polar, at codon 508 of the POLE protein (p.Gln508His). This variant is present in population databases (rs762030811, gnomAD 0.02%). This variant has not been reported in the literature in individuals affected with POLE-related conditions. ClinVar contains an entry for this variant (Variation ID: 473465). Invitae Evidence Modeling of protein sequence and biophysical properties (such as structural, functional, and spatial information, amino acid conservation, physicochemical variation, residue mobility, and thermodynamic stability) indicates that this missense variant is expected to disrupt POLE protein function with a positive predictive value of 80%. In summary, the available evidence is currently insufficient to determine the role of this variant in disease. Therefore, it has been classified as a Variant of Uncertain Significance.

Counsyl
Classification: Uncertain significance for Colorectal cancer, susceptibility to, 12. Last evaluated: 2018-03-26. Review status: no assertion criteria provided. Collection method: clinical testing. Allele origin: unknown. Not counted in ClinVar's aggregate classification.